The following is an entry in ClinVar:

ClinVar aggregate classification (germline): Uncertain significance (1 of 4 stars; one submission).

Submission:

Women's Health and Genetics/Laboratory Corporation of America, LabCorp
Classification: Uncertain significance. Last evaluated: 2022-04-29. Review status: criteria provided, single submitter. Criteria: LabCorp Variant Classification Summary - May 2015. Collection method: clinical testing. Allele origin: germline.
Comment: Variant summary: The variant identified by MLPA or other technology involves the duplication of exons 51-63 in the DMD gene. A presumed nomenclature of c.(7309+1_7310-1)_(9286+1_9287-1)dup has been designated for the purposes of this classification. It has been assumed that this is a tandem duplication in direct orientation (Richardson_GIM_2018, Newman_AJHG_2015). Although exact breakpoints of this duplication are not known, it is expected to result in an insertion without frameshift and remaining sequence intact in the DMD gene (DOVE database). The variant was absent in 16120 control chromosomes (gnomAD database, Structural Variants dataset). The available data on variant occurrences in the general population are insufficient to allow any conclusion about variant significance. To our knowledge, no occurrence of c.(7309+1_7310-1)_(9286+1_9287-1)dup in individuals affected with Dystrophinopathies and no experimental evidence demonstrating its impact on protein function have been reported. No clinical diagnostic laboratories have submitted clinical-significance assessments for this variant to ClinVar after 2014. Based on the evidence outlined above, the variant was classified as uncertain significance.

NC_000023.10:g.(31241239_31279071)_(31792310_31838091)dup

Gene: DMD (dystrophin; minus strand). Cytogenetic location: Xp21.2-21.1.
Variant type: Duplication.
Identifiers: ClinVar variation 1683298 (VCV001683298.1).